The following is an entry in ClinVar:

NM_005559.4(LAMA1):c.4737C>T (p.Asn1579=)

Gene: LAMA1 (laminin subunit alpha 1; minus strand). Cytogenetic location: 18p11.31.
Variant type: single nucleotide variant.
Coding change: c.4737C>T on transcript NM_005559.4 (MANE Select); coding-DNA position 4737, C replaced by T.
Protein change: p.Asn1579=; no amino-acid change (asparagine 1579 retained).
Molecular consequence: synonymous variant.
Genome position (GRCh38, 1-based): chr18:6,997,811, G>A on the plus strand (C>T on the coding strand, the complement: LAMA1 is on the minus strand). VCF-style: chr18-6997811-G-A. GRCh37 (hg19) VCF-style: chr18-6997810-G-A.
Identifiers: ClinVar variation 750454 (VCV000750454.37), dbSNP rs201505782, ClinGen allele CA8881817.

ClinVar aggregate classification (germline): Likely benign. Review status: criteria provided, multiple submitters, no conflicts (2 of 4 stars). 7 submissions from 7 submitters: Likely benign (4). 3 of the submissions do not count toward it. Last evaluated 2026-07-01.

Conditions:
Ataxia - intellectual disability - oculomotor apraxia - cerebellar cysts syndrome. Also called: Poretti-Boltshauser syndrome. Identifiers: Orphanet 370022, MedGen C4014821, MONDO:0014419, OMIM 615960.
LAMA1-related disorder. Also called: LAMA1-related disorders; LAMA1-related condition.

Allele frequency attached by ClinVar (database versions not stated): ExAC 0.00040; ESP Exome Variant Server 0.00046; gnomAD exomes 0.00050 and 0.00079; TOPMed 0.00050; gnomAD 0.00054 and 0.00058.

Submissions (7):

CeGaT Center for Human Genetics Tuebingen
Classification: Likely benign. Last evaluated: 2026-07-01. Review status: criteria provided, single submitter. Criteria: CeGaT Center For Human Genetics Tuebingen Variant Classification Criteria Version 2. Collection method: clinical testing. Allele origin: germline. Affected: yes. Observed: 4 variant alleles.
Comment: LAMA1: BP4, BP7

Labcorp Genetics (formerly Invitae), Labcorp
Classification: Likely benign. Last evaluated: 2025-05-19. Review status: criteria provided, single submitter. Criteria: Invitae Variant Classification Sherloc (09022015). Collection method: clinical testing. Allele origin: germline.

Blueprint Genetics
Classification: Likely benign. Last evaluated: 2024-11-07. Review status: criteria provided, single submitter. Criteria: ACMG Guidelines, 2015. Collection method: clinical testing. Allele origin: germline.

Fulgent Genetics
Classification: Likely benign for Ataxia - intellectual disability - oculomotor apraxia - cerebellar cysts syndrome. Last evaluated: 2022-01-03. Review status: criteria provided, single submitter. Criteria: ACMG Guidelines, 2015. Collection method: clinical testing. Allele origin: unknown.

PreventionGenetics, part of Exact Sciences
Classification: Likely benign for LAMA1-related condition. Last evaluated: 2019-09-05. Review status: no assertion criteria provided. Collection method: clinical testing. Allele origin: germline. Not counted in ClinVar's aggregate classification.
Comment: This variant is classified as likely benign based on ACMG/AMP sequence variant interpretation guidelines (Richards et al. 2015 PMID: 25741868, with internal and published modifications).

Clinical Genetics DNA and cytogenetics Diagnostics Lab, Erasmus MC, Erasmus Medical Center
Classification: Likely benign. Review status: no assertion criteria provided. Collection method: clinical testing. Allele origin: germline. Affected: yes. Study: VKGL Data-share Consensus. Not counted in ClinVar's aggregate classification.

Clinical Genetics, Academic Medical Center
Classification: Likely benign. Review status: no assertion criteria provided. Collection method: clinical testing. Allele origin: germline. Affected: yes. Study: VKGL Data-share Consensus. Not counted in ClinVar's aggregate classification.